The following is an entry in ClinVar:

ClinVar aggregate classification (germline): Uncertain significance (1 of 4 stars; one submission).

Submission:

GeneDx
Classification: Uncertain significance. Last evaluated: 2024-12-10. Review status: criteria provided, single submitter. Criteria: GeneDx Variant Classification Process June 2021. Collection method: clinical testing. Allele origin: germline. Affected: yes.
Comment: Not observed at significant frequency in large population cohorts (gnomAD); In silico analysis indicates that this missense variant does not alter protein structure/function; Has not been previously published as pathogenic or benign to our knowledge

NM_000165.5(GJA1):c.46G>C (p.Ala16Pro)

Gene: GJA1 (gap junction protein alpha 1; plus strand). Cytogenetic location: 6q22.31.
Variant type: single nucleotide variant.
Coding change: c.46G>C on transcript NM_000165.5 (MANE Select); coding-DNA position 46, G replaced by C.
Protein change: p.Ala16Pro; replaces alanine 16 with proline.
Molecular consequence: missense variant.
Genome position (GRCh38, 1-based): chr6:121,446,893, G>C. VCF-style: chr6-121446893-G-C. GRCh37 (hg19) VCF-style: chr6-121768039-G-C.
Other names: short protein forms A16P.
Identifiers: ClinVar variation 3903392 (VCV003903392.1).
Genomic context (GRCh38, chr6:121,446,893, plus strand): 5'-TGGTGCCCAGGCAACATGGGTGACTGGAGCGCCTTAGGCAAACTCCTTGACAAGGTTCAA[G>C]CCTACTCAACTGCTGGAGGGAAGGTGTGGCTGTCAGTACTTTTCATTTTCCGAATCCTGC-3'
Protein context (NP_000156.1, residues 6-26): ALGKLLDKVQ[Ala16Pro]YSTAGGKVWL